The following is an entry in ClinVar:

ClinVar aggregate classification (germline): Uncertain significance (1 of 4 stars; one submission).

Submission:

Labcorp Genetics (formerly Invitae), Labcorp
Classification: Uncertain significance. Last evaluated: 2026-01-12. Review status: criteria provided, single submitter. Criteria: Invitae Variant Classification Sherloc (09022015). Collection method: clinical testing. Allele origin: germline.
Comment: This sequence change creates a premature translational stop signal (p.Ser28*) in the WDR87 gene. It is expected to result in an absent or disrupted protein product. However, the current clinical and genetic evidence is not sufficient to establish whether loss-of-function variants in WDR87 cause disease. This variant is not present in population databases (gnomAD no frequency). This variant has not been reported in the literature in individuals affected with WDR87-related conditions. Algorithms developed to predict the effect of sequence changes on RNA splicing suggest that this variant may disrupt the consensus splice site. In summary, the available evidence is currently insufficient to determine the role of this variant in disease. Therefore, it has been classified as a Variant of Uncertain Significance.

NM_001291088.2(WDR87):c.83C>A (p.Ser28Ter)

Gene: WDR87 (WD repeat domain 87; minus strand). Cytogenetic location: 19q13.13.
Variant type: single nucleotide variant.
Coding change: c.83C>A on transcript NM_001291088.2 (MANE Select); coding-DNA position 83, C replaced by A.
Protein change: p.Ser28Ter; replaces serine 28 with a stop codon.
Molecular consequence: nonsense.
Genome position (GRCh38, 1-based): chr19:37,896,301, G>T on the plus strand (C>A on the coding strand, the complement: WDR87 is on the minus strand). VCF-style: chr19-37896301-G-T. GRCh37 (hg19) VCF-style: chr19-38386941-G-T.
Other names: c.83C>A, p.Ser28Ter (NM_031951.5); short protein forms S28*.
Identifiers: ClinVar variation 4734664 (VCV004734664.1).